The following is an entry in ClinVar:

NM_020166.5(MCCC1):c.1262G>A (p.Arg421Gln)

Gene: MCCC1 (methylcrotonyl-CoA carboxylase subunit 1; minus strand). Cytogenetic location: 3q27.1.
Variant type: single nucleotide variant.
Coding change: c.1262G>A on transcript NM_020166.5 (MANE Select); coding-DNA position 1262, G replaced by A.
Protein change: p.Arg421Gln; replaces arginine 421 with glutamine.
Molecular consequence: missense variant. On other transcripts: non-coding transcript variant (2).
Genome position (GRCh38, 1-based): chr3:183,041,572, C>T on the plus strand (G>A on the coding strand, the complement: MCCC1 is on the minus strand). VCF-style: chr3-183041572-C-T. GRCh37 (hg19) VCF-style: chr3-182759360-C-T.
Other names: c.911G>A, p.Arg304Gln (NM_001293273.2); c.935G>A, p.Arg312Gln (NM_001363880.1); short protein forms R421Q, R304Q, R312Q.
Identifiers: ClinVar variation 1484392 (VCV001484392.5), dbSNP rs761249521, ClinGen allele CA2718841.
Genomic context (GRCh38, chr3:183,041,572, plus strand): 5'-AATAATGTACTAAAAACTTAAAAAGAGTGAGACTTTTCATTTTCTTTCACTTTACCTTGC[C>T]GTACTCCAGTTTCAATCCTGGTGGAAGGGTCTGCTCGAGGAGTAGAGAGGTGCACTAATG-3'
Protein context (NP_064551.3, residues 411-431): DPSTRIETGV[Arg421Gln]QGDEVSVHYD

ClinVar aggregate classification (germline): Uncertain significance (1 of 4 stars; one submission).

Conditions:
3-methylcrotonyl-CoA carboxylase 1 deficiency (MCC1D). Also called: MCCD TYPE 1; METHYLCROTONYLGLYCINURIA TYPE I; MCC 1 deficiency; 3 Alpha methylcrotonylglycinuria 1. Identifiers: Orphanet 6, MedGen CN028786, MONDO:0008861, OMIM 210200.

Allele frequency attached by ClinVar (database versions not stated): TOPMed below 0.00001; gnomAD 0.00001; ExAC 0.00002; gnomAD exomes 0.00003; 1000 Genomes Project 30x 0.00031.
gnomAD v4.1: 21 of 1,613,944 alleles (0.0013%); highest among the groups gnomAD compares: South Asian, 0.014%; no homozygotes.

Submission:

Labcorp Genetics (formerly Invitae), Labcorp
Classification: Uncertain significance for 3-methylcrotonyl-CoA carboxylase 1 deficiency. Last evaluated: 2021-09-17. Review status: criteria provided, single submitter. Criteria: Invitae Variant Classification Sherloc (09022015). Collection method: clinical testing. Allele origin: germline.
Comment: This sequence change replaces arginine with glutamine at codon 421 of the MCCC1 protein (p.Arg421Gln). The arginine residue is highly conserved and there is a small physicochemical difference between arginine and glutamine. This variant is present in population databases (rs761249521, ExAC 0.006%). This variant has not been reported in the literature in individuals affected with MCCC1-related conditions. Algorithms developed to predict the effect of missense changes on protein structure and function output the following: SIFT: "Tolerated"; PolyPhen-2: "Benign"; Align-GVGD: "Class C0". The glutamine amino acid residue is found in multiple mammalian species, which suggests that this missense change does not adversely affect protein function. In summary, the available evidence is currently insufficient to determine the role of this variant in disease. Therefore, it has been classified as a Variant of Uncertain Significance.